The following is an entry in ClinVar:

ClinVar aggregate classification (germline): Pathogenic. Review status: reviewed by expert panel (3 of 4 stars). 6 submissions from 6 submitters: Pathogenic (1). 5 of the submissions do not count toward it. Last evaluated 2017-03-17.

Conditions:
CFTR-related disorder (CFTR-RD). Also called: CFTR-related disorders; CFTR-related condition. Identifiers: MedGen C5924204, MONDO:7770004.
Cystic fibrosis (CF). Also called: MUCOVISCIDOSIS. Identifiers: Orphanet 586, MedGen C0010674, MONDO:0009061, OMIM 219700. Disease mechanism: loss of function.

Allele frequency attached by ClinVar (database versions not stated): gnomAD exomes below 0.00001; gnomAD 0.00001.
gnomAD v4.1: 2 of 1,609,906 alleles (0.00012%); highest among the groups gnomAD compares: South Asian, 0.0011%; no homozygotes.

Submissions (6):

CFTR2
Classification: Pathogenic for Cystic fibrosis. Last evaluated: 2017-03-17. Review status: reviewed by expert panel. Criteria: Sosnay PR et al. (Nat Genet 2013). Collection method: research. Allele origin: germline. Affected: yes. Study: CFTR2.

Foundation for Research in Genetics and Endocrinology, FRIGE's Institute of Human Genetics
Classification: Pathogenic for Cystic fibrosis. Last evaluated: 2026-04-18. Review status: criteria provided, single submitter. Criteria: ACMG Guidelines, 2015. Collection method: clinical testing. Allele origin: germline. Inheritance: Autosomal recessive inheritance. Affected: yes. Observed: 1 variant allele, 1 compound heterozygote. Not counted in ClinVar's aggregate classification.
Comment: A heterozygous variant c.1584+1G>A in intron 11 of the CFTR gene. This variant has not been reported in the 1000 genomes database. In summary, the variant meets our criteria to be classified as pathogenic.

Women's Health and Genetics/Laboratory Corporation of America, LabCorp
Classification: Pathogenic for Cystic fibrosis. Last evaluated: 2023-06-14. Review status: criteria provided, single submitter. Criteria: LabCorp Variant Classification Summary - May 2015. Collection method: clinical testing. Allele origin: germline. Not counted in ClinVar's aggregate classification.
Comment: Variant summary: CFTR c.1584+1G>A is located in a canonical splice-site and is predicted to affect mRNA splicing resulting in a significantly altered protein due to either exon skipping, shortening, or inclusion of intronic material. Several computational tools predict a significant impact on normal splicing: Four predict the variant abolishes the canonical 5' splicing donor site. The variant allele was found at a frequency of 4e-06 in 250482 control chromosomes. c.1584+1G>A has been reported in the literature in individuals affected with Cystic Fibrosis (example, Angelicheva_1997, Kanavakis_2003, Berk_2009, Tosco_2016). These data indicate that the variant is likely to be associated with disease. The following publications have been ascertained in the context of this evaluation (PMID: 9099843, 19917960, 33085659, 12752573, 30888834, 27035618). Clinical diagnostic laboratories and a database (CFTR2) have submitted clinical-significance assessments for this variant to ClinVar after 2014. All submitters classified the variant as pathogenic. Based on the evidence outlined above, the variant was classified as pathogenic.

Institute of Human Genetics, University of Leipzig Medical Center
Classification: Pathogenic for Cystic fibrosis. Last evaluated: 2022-09-05. Review status: criteria provided, single submitter. Criteria: ACMG Guidelines, 2015. Collection method: curation. Allele origin: unknown. Affected: yes. Observed: 1 variant allele. Not counted in ClinVar's aggregate classification.
Comment: The variant was classified in the context of a project re-classifying variants in the German Cystic Fibrosis Registry (Muko.e.V.). Criteria applied: PVS1, PS1_SUP, PM2_SUP, PM3_STR

Counsyl
Classification: Pathogenic for Cystic fibrosis. Last evaluated: 2018-05-09. Review status: no assertion criteria provided. Collection method: clinical testing. Allele origin: unknown. Not counted in ClinVar's aggregate classification.

Natera, Inc.
Classification: Pathogenic for CFTR-related disorders. Last evaluated: 2017-03-17. Review status: no assertion criteria provided. Collection method: clinical testing. Allele origin: germline. Not counted in ClinVar's aggregate classification.

Literature cited by the submitters: PubMed 9099843 (cited by Women's Health and Genetics/Laboratory Corporation of America, LabCorp); PubMed 12752573 (cited by Women's Health and Genetics/Laboratory Corporation of America, LabCorp); PubMed 30888834 (cited by Women's Health and Genetics/Laboratory Corporation of America, LabCorp); PubMed 33085659 (cited by Women's Health and Genetics/Laboratory Corporation of America, LabCorp); PubMed 19917960 (cited by Women's Health and Genetics/Laboratory Corporation of America, LabCorp); PubMed 27035618 (cited by Women's Health and Genetics/Laboratory Corporation of America, LabCorp).

NM_000492.4(CFTR):c.1584+1G>A

Genes: CFTR (CF transmembrane conductance regulator; plus strand), CFTR-AS1 (CFTR antisense RNA 1; minus strand). Cytogenetic location: 7q31.2.
Variant type: single nucleotide variant.
Coding change: c.1584+1G>A on transcript NM_000492.4 (MANE Select); the canonical splice donor site of the intron after coding-DNA position 1584, G replaced by A.
Molecular consequence: splice donor variant.
Genome position (GRCh38, 1-based): chr7:117,559,656, G>A. VCF-style: chr7-117559656-G-A. GRCh37 (hg19) VCF-style: chr7-117199710-G-A.
Other names: 1716+1G->A.
Identifiers: ClinVar variation 53285 (VCV000053285.6), dbSNP rs397508230, ClinGen allele CA326537.